The following is an entry in ClinVar:

NM_005055.5(RAPSN):c.1166+16G>A

Gene: RAPSN (receptor associated protein of the synapse; minus strand). Cytogenetic location: 11p11.2.
Variant type: single nucleotide variant.
Coding change: c.1166+16G>A on transcript NM_005055.5 (MANE Select); 16 bases into the intron after coding-DNA position 1166, G replaced by A.
Molecular consequence: intron variant.
Genome position (GRCh38, 1-based): chr11:47,438,716, C>T on the plus strand (G>A on the coding strand, the complement: RAPSN is on the minus strand). VCF-style: chr11-47438716-C-T. GRCh37 (hg19) VCF-style: chr11-47460267-C-T.
Other names: c.989+16G>A (NM_032645.5).
Identifiers: ClinVar variation 1622909 (VCV001622909.21), dbSNP rs377580268, ClinGen allele CA5976483.

ClinVar aggregate classification (germline): Likely benign. Review status: criteria provided, multiple submitters, no conflicts (2 of 4 stars). 2 submissions from 2 submitters: Likely benign (2). Last evaluated 2026-01-20.

Conditions:
Congenital myasthenic syndrome 11. Also called: MYASTHENIC SYNDROME, CONGENITAL, Ie; Myasthenic syndrome, congenital, 11, associated with acetylcholine receptor deficiency. Identifiers: Orphanet 590, MedGen C4225367, MONDO:0014588, OMIM 616326.
Fetal akinesia deformation sequence 1 (FADS1). Also called: Fetal akinesia sequence; Pena-Shokeir syndrome type I. Identifiers: Orphanet 994, MedGen C1276035, MONDO:0100101, OMIM 208150, HP:0001989.

Allele frequency attached by ClinVar (database versions not stated): TOPMed 0.00033; ESP Exome Variant Server 0.00039; gnomAD exomes 0.00039 and 0.00062; gnomAD 0.00043 and 0.00045; ExAC 0.00059.
gnomAD v4.1: 915 of 1,554,278 alleles (0.059%); highest among the groups gnomAD compares: Non-Finnish European, 0.076%; 1 homozygote.

Submissions (2):

Labcorp Genetics (formerly Invitae), Labcorp
Classification: Likely benign for Congenital myasthenic syndrome 11; Fetal akinesia deformation sequence 1. Last evaluated: 2026-01-20. Review status: criteria provided, single submitter. Criteria: Invitae Variant Classification Sherloc (09022015). Collection method: clinical testing. Allele origin: germline.

CeGaT Center for Human Genetics Tuebingen
Classification: Likely benign. Last evaluated: 2025-02-01. Review status: criteria provided, single submitter. Criteria: CeGaT Center For Human Genetics Tuebingen Variant Classification Criteria Version 2. Collection method: clinical testing. Allele origin: germline. Affected: yes. Observed: 1 variant allele.
Comment: RAPSN: BP4, BP7